The following is an entry in ClinVar:

NM_001267550.2(TTN):c.99320T>C (p.Met33107Thr)

Genes: TTN (titin; minus strand), TTN-AS1 (TTN antisense RNA 1; plus strand). Cytogenetic location: 2q31.2.
Variant type: single nucleotide variant.
Coding change: c.99320T>C on transcript NM_001267550.2 (MANE Select); coding-DNA position 99320, T replaced by C.
Protein change: p.Met33107Thr; replaces methionine 33107 with threonine.
Molecular consequence: missense variant.
Genome position (GRCh38, 1-based): chr2:178,537,887, A>G on the plus strand (T>C on the coding strand, the complement: TTN is on the minus strand). VCF-style: chr2-178537887-A-G. GRCh37 (hg19) VCF-style: chr2-179402614-A-G.
Other names: c.94397T>C, p.Met31466Thr (NM_001256850.1); c.72125T>C, p.Met24042Thr (NM_003319.4); c.91616T>C, p.Met30539Thr (NM_133378.4); c.72500T>C, p.Met24167Thr (NM_133432.3); c.72701T>C, p.Met24234Thr (NM_133437.4); short protein forms M24042T, M33107T, M24234T, M24167T, M30539T, M31466T.
Identifiers: ClinVar variation 519137 (VCV000519137.5), dbSNP rs942438397, ClinGen allele CA60963278.

ClinVar aggregate classification (germline): Uncertain significance (1 of 4 stars; one submission).

Conditions:
Cardiovascular phenotype. Identifiers: MedGen CN230736.

Allele frequency attached by ClinVar (database versions not stated): gnomAD 0.00001; TOPMed 0.00002; gnomAD exomes below 0.00001.
gnomAD v4.1: 5 of 1,612,202 alleles (0.00031%); highest among the groups gnomAD compares: African/African-American, 0.0053%; no homozygotes.

Submission:

Ambry Genetics
Classification: Uncertain significance for Cardiovascular phenotype. Last evaluated: 2016-11-09. Review status: criteria provided, single submitter. Criteria: Ambry Variant Classification Scheme 2023. Collection method: clinical testing. Allele origin: germline.
Comment: The p.M24042T variant (also known as c.72125T>C), located in coding exon 182 of the TTN gene, results from a T to C substitution at nucleotide position 72125. The methionine at codon 24042 is replaced by threonine, an amino acid with similar properties, and is located in the A-band region of the N2-B isoform of the titin protein. This variant was not reported in population based cohorts in the following databases: Database of Single Nucleotide Polymorphisms (dbSNP), NHLBI Exome Sequencing Project (ESP), Exome Aggregation Consortium (ExAC) and 1000 Genomes Project. In the ESP, this variant was not observed in 6012 samples (12024 alleles) with coverage at this position. This amino acid position is not well conserved in available vertebrate species. In addition, this alteration is predicted to be tolerated by in silico analysis. Since supporting evidence is limited at this time, the clinical significance of this alteration remains unclear.